The following is an entry in ClinVar:

NC_000010.10:g.(?_13320301)_(13340265_?)del

Gene: PHYH (phytanoyl-CoA 2-hydroxylase; minus strand). Cytogenetic location: 10p13.
Variant type: Deletion.
Identifiers: ClinVar variation 3244978 (VCV003244978.1).

ClinVar aggregate classification (germline): Pathogenic (1 of 4 stars; one submission).

Submission:

Labcorp Genetics (formerly Invitae), Labcorp
Classification: Pathogenic. Last evaluated: 2023-10-30. Review status: criteria provided, single submitter. Criteria: Invitae Variant Classification Sherloc (09022015). Collection method: clinical testing. Allele origin: unknown.
Comment: This variant is a gross deletion of the genomic region encompassing exon(s) 2-9 of the PHYH gene, which includes the termination codon. This deletion extends beyond the assayed region for this gene and therefore may encompass additional genes. While this deletion is not anticipated to lead to nonsense mediated decay, it is expected to alter mRNA translation or result in a truncated protein product. This variant has not been reported in the literature in individuals affected with PHYH-related conditions. This variant disrupts a region of the PHYH protein in which other variant(s) (p.Arg275Trp) have been determined to be pathogenic (PMID: 9657395, 10767344, 28041643). This suggests that this is a clinically significant region of the protein, and that variants that disrupt it are likely to be disease-causing. For these reasons, this variant has been classified as Pathogenic.

Literature cited by the submitters: PubMed 9657395; PubMed 10767344; PubMed 28041643.